The following is an entry in ClinVar:

NM_152643.8(KNDC1):c.2254C>T (p.Arg752Cys)

Gene: KNDC1 (kinase non-catalytic C-lobe domain containing 1; plus strand). Cytogenetic location: 10q26.3.
Variant type: single nucleotide variant.
Coding change: c.2254C>T on transcript NM_152643.8 (MANE Select); coding-DNA position 2254, C replaced by T.
Protein change: p.Arg752Cys; replaces arginine 752 with cysteine.
Molecular consequence: missense variant.
Genome position (GRCh38, 1-based): chr10:133,198,762, C>T. VCF-style: chr10-133198762-C-T. GRCh37 (hg19) VCF-style: chr10-135012266-C-T.
Other names: c.2254C>T, p.Arg752Cys (NM_033404.2); short protein forms R752C.
Identifiers: ClinVar variation 2641001 (VCV002641001.24), dbSNP rs199517844, ClinGen allele CA5760579.

ClinVar aggregate classification (germline): Benign (1 of 4 stars; one submission).

Allele frequency attached by ClinVar (database versions not stated): gnomAD exomes 0.00006; ExAC 0.00012; ESP Exome Variant Server 0.00032; gnomAD 0.00040; TOPMed 0.00040; 1000 Genomes Project 30x 0.00078; 1000 Genomes Project 0.00100.
gnomAD v4.1: 158 of 1,586,206 alleles (0.01%); highest among the groups gnomAD compares: African/African-American, 0.16%; 2 homozygotes.

Submission:

CeGaT Center for Human Genetics Tuebingen
Classification: Benign. Last evaluated: 2022-08-01. Review status: criteria provided, single submitter. Criteria: CeGaT Center For Human Genetics Tuebingen Variant Classification Criteria Version 2. Collection method: clinical testing. Allele origin: germline. Affected: yes. Observed: 1 variant allele.
Comment: KNDC1: BP4, BS1, BS2